The following is an entry in ClinVar:

NM_199242.3(UNC13D):c.3007G>A (p.Val1003Met)

Gene: UNC13D (unc-13 homolog D; minus strand). Cytogenetic location: 17q25.1.
Variant type: single nucleotide variant.
Coding change: c.3007G>A on transcript NM_199242.3 (MANE Select); coding-DNA position 3007, G replaced by A.
Protein change: p.Val1003Met; replaces valine 1003 with methionine.
Molecular consequence: missense variant.
Genome position (GRCh38, 1-based): chr17:75,828,931, C>T on the plus strand (G>A on the coding strand, the complement: UNC13D is on the minus strand). VCF-style: chr17-75828931-C-T. GRCh37 (hg19) VCF-style: chr17-73825012-C-T.
Other names: short protein forms V1003M.
Identifiers: ClinVar variation 570909 (VCV000570909.10), dbSNP rs200462004, ClinGen allele CA8772313.

ClinVar aggregate classification (germline): Uncertain significance. Review status: criteria provided, multiple submitters, no conflicts (2 of 4 stars). 2 submissions from 2 submitters: Uncertain significance (2). Last evaluated 2025-01-19.

Conditions:
Familial hemophagocytic lymphohistiocytosis 3 (FHL3). Also called: UNC13D-Related Familial Hemophagocytic Lymphohistiocytosis (UNC13D-fHLH). Identifiers: Orphanet 540, MedGen C1837174, MONDO:0012146, OMIM 608898.

Allele frequency attached by ClinVar (database versions not stated): gnomAD 0.00003; TOPMed 0.00004; ESP Exome Variant Server 0.00008.
gnomAD v4.1: 83 of 1,606,656 alleles (0.0052%); highest among the groups gnomAD compares: Admixed American, 0.0067%; no homozygotes.

Submissions (2):

Labcorp Genetics (formerly Invitae), Labcorp
Classification: Uncertain significance for Familial hemophagocytic lymphohistiocytosis 3. Last evaluated: 2025-01-19. Review status: criteria provided, single submitter. Criteria: Invitae Variant Classification Sherloc (09022015). Collection method: clinical testing. Allele origin: germline.
Comment: This sequence change replaces valine, which is neutral and non-polar, with methionine, which is neutral and non-polar, at codon 1003 of the UNC13D protein (p.Val1003Met). This variant is present in population databases (rs200462004, gnomAD 0.009%). This variant has not been reported in the literature in individuals affected with UNC13D-related conditions. ClinVar contains an entry for this variant (Variation ID: 570909). Invitae Evidence Modeling of protein sequence and biophysical properties (such as structural, functional, and spatial information, amino acid conservation, physicochemical variation, residue mobility, and thermodynamic stability) indicates that this missense variant is expected to disrupt UNC13D protein function with a positive predictive value of 80%. In summary, the available evidence is currently insufficient to determine the role of this variant in disease. Therefore, it has been classified as a Variant of Uncertain Significance.

Blueprint Genetics
Classification: Uncertain significance. Last evaluated: 2024-06-12. Review status: criteria provided, single submitter. Criteria: ACMG Guidelines, 2015. Collection method: clinical testing. Allele origin: germline.